The following is an entry in ClinVar:

ClinVar aggregate classification (germline): Conflicting classifications of pathogenicity. Review status: criteria provided, conflicting classifications (1 of 4 stars). 8 submissions from 8 submitters: Likely pathogenic (5); Uncertain significance (2). 1 of the submissions does not count toward it. Last evaluated 2025-07-27.

Conditions:
Inborn genetic diseases. Identifiers: MedGen C0950123, MeSH D030342.
DDX41-related hematologic malignancy predisposition syndrome. Also called: DDX41-Associated Familial Myelodysplastic Syndrome and Acute Myeloid Leukemia; Myeloproliferative/lymphoproliferative neoplasms, familial (multiple types), susceptibility to. Identifiers: Orphanet 488647, MedGen C4225174, MONDO:0014809, OMIM 616871.

Allele frequency attached by ClinVar (database versions not stated): gnomAD 0.00001 and 0.00002; ExAC 0.00002; gnomAD exomes 0.00002 and 0.00003; TOPMed 0.00002.
gnomAD v4.1: 51 of 1,613,974 alleles (0.0032%); highest among the groups gnomAD compares: Non-Finnish European, 0.0041%; no homozygotes.

Submissions (8):

Labcorp Genetics (formerly Invitae), Labcorp
Classification: Likely pathogenic. Last evaluated: 2025-07-27. Review status: criteria provided, single submitter. Criteria: Invitae Variant Classification Sherloc (09022015). Collection method: clinical testing. Allele origin: germline.
Comment: This sequence change replaces isoleucine, which is neutral and non-polar, with threonine, which is neutral and polar, at codon 396 of the DDX41 protein (p.Ile396Thr). This variant is present in population databases (rs747072227, gnomAD 0.007%). This missense change has been observed in individuals with leukemia and/or myelodysplastic syndrome (PMID: 25920683, 33585199, 36322930; internal data). ClinVar contains an entry for this variant (Variation ID: 224635). An algorithm developed to predict the effect of missense changes on protein structure and function (PolyPhen-2) suggests that this variant is likely to be tolerated. In summary, the currently available evidence indicates that the variant is pathogenic, but additional data are needed to prove that conclusively. Therefore, this variant has been classified as Likely Pathogenic.

CeGaT Center for Human Genetics Tuebingen
Classification: Likely pathogenic. Last evaluated: 2025-02-01. Review status: criteria provided, single submitter. Criteria: CeGaT Center For Human Genetics Tuebingen Variant Classification Criteria Version 2. Collection method: clinical testing. Allele origin: germline. Affected: yes. Observed: 1 variant allele.
Comment: DDX41: PM2, PS4:Moderate, PM1:Supporting, PP2

Ambry Genetics
Classification: Uncertain significance for Inborn genetic diseases. Last evaluated: 2024-12-20. Review status: criteria provided, single submitter. Criteria: Ambry Variant Classification Scheme 2023. Collection method: clinical testing. Allele origin: germline.
Comment: The p.I396T variant (also known as c.1187T>C), located in coding exon 11 of the DDX41 gene, results from a T to C substitution at nucleotide position 1187. The isoleucine at codon 396 is replaced by threonine, an amino acid with similar properties. This variant was reported in individuals with features consistent with DDX41-related hematologic malignancy predisposition syndrome (Polprasert C et al. Cancer Cell. 2015 May;27:658-70; Bannon SA et al. Front Oncol. 2020 Jan;10:582213; Ansar S et al. Genet Med. 2022 Nov;24:2367-2379; Makishima H et al. Blood. 2023 Feb;141:534-549). This amino acid position is highly conserved in available vertebrate species. In addition, this alteration is predicted to be deleterious by in silico analysis. Based on the available evidence, the clinical significance of this variant remains unclear.

Blueprint Genetics
Classification: Uncertain significance. Last evaluated: 2024-09-16. Review status: criteria provided, single submitter. Criteria: ACMG Guidelines, 2015. Collection method: clinical testing. Allele origin: germline.

St. Jude Molecular Pathology, St. Jude Children's Research Hospital
Classification: Likely pathogenic for DDX41-related hematologic malignancy predisposition syndrome. Last evaluated: 2024-08-15. Review status: criteria provided, single submitter. Criteria: St. Jude Assertion Criteria 2020. Collection method: clinical testing. Allele origin: germline.
Comment: The DDX41 c.1187T>C (p.Ile396Thr) missense change has a maximum subpopulation frequency of 0.006% in gnomAD v2.1.1. The in silico tool REVEL predicts a deleterious effect on protein function, but this prediction has not been confirmed by functional studies. This variant has been reported in multiple individuals with myelodysplastic syndrome and/or acute myeloid leukemia (PMID: 25920683, 33585199, 36322930, 38368440). ?In summary, this variant meets criteria to be classified as likely pathogenic.?

GeneDx
Classification: Likely pathogenic. Last evaluated: 2024-07-03. Review status: criteria provided, single submitter. Criteria: GeneDx Variant Classification Process June 2021. Collection method: clinical testing. Allele origin: germline. Affected: yes.
Comment: Not observed at significant frequency in large population cohorts (gnomAD); In silico analysis supports that this missense variant has a deleterious effect on protein structure/function; This variant is associated with the following publications: (PMID: 27721487, 27928732, 33692849, 36455200, 35781188, 33585199, 36322930, 36112138, 25920683, 37506341, 37665752, 36672294)

Genetic Services Laboratory, University of Chicago
Classification: Likely pathogenic. Last evaluated: 2021-10-05. Review status: criteria provided, single submitter. Criteria: ACMG Guidelines, 2015. Collection method: clinical testing. Allele origin: germline. Affected: yes.
Comment: DNA sequence analysis of the DDX41 gene demonstrated a sequence change, c.1187T>C, in exon 11 that results in an amino acid change, p.Ile396Thr. This sequence change has been described in the gnomAD database with frequency of 0.006% in the African American/African subpopulation (dbSNP rs747072227). The p.Ile396Thr change affects a moderately conserved amino acid residue located in the DEAD domain of the DDX41 protein that is known to be functional. In-silico pathogenicity prediction tools (SIFT, PolyPhen2, Align GVGD, REVEL) provide contradictory results for the p.Ile396Thr substitution. Collectively, these evidences indicate that this sequence change is likely pathogenic, however functional studies have not been performed to prove this conclusively.

OMIM
Classification: risk factor for MYELOPROLIFERATIVE/LYMPHOPROLIFERATIVE NEOPLASMS, FAMILIAL (MULTIPLE TYPES), SUSCEPTIBILITY TO. Last evaluated: 2023-03-16. Review status: no assertion criteria provided. Collection method: literature only. Allele origin: unknown. Not counted in ClinVar's aggregate classification.

Literature cited by the submitters: PubMed 25920683 (cited by 3 submitters); PubMed 33585199 (cited by Labcorp Genetics (formerly Invitae), Labcorp and Ambry Genetics); PubMed 36322930 (cited by Labcorp Genetics (formerly Invitae), Labcorp and Ambry Genetics); PubMed 36112138 (cited by Ambry Genetics).

NM_016222.4(DDX41):c.1187T>C (p.Ile396Thr)

Gene: DDX41 (DEAD-box helicase 41; minus strand). Cytogenetic location: 5q35.3.
Variant type: single nucleotide variant.
Coding change: c.1187T>C on transcript NM_016222.4 (MANE Select); coding-DNA position 1187, T replaced by C.
Protein change: p.Ile396Thr; replaces isoleucine 396 with threonine.
Molecular consequence: missense variant.
Genome position (GRCh38, 1-based): chr5:177,513,396, A>G on the plus strand (T>C on the coding strand, the complement: DDX41 is on the minus strand). VCF-style: chr5-177513396-A-G. GRCh37 (hg19) VCF-style: chr5-176940397-A-G.
Other names: c.809T>C, p.Ile270Thr (NM_001321732.2, NM_001321830.2); c.1187T>C, p.Ile396Thr (LRG_1386t1); short protein forms I396T, I270T.
Identifiers: ClinVar variation 224635 (VCV000224635.30), dbSNP rs747072227, ClinGen allele CA358663.